The following is an entry in ClinVar:

ClinVar aggregate classification (germline): Uncertain significance (1 of 4 stars; one submission).

Conditions:
KBG syndrome (KBGS). Also called: ANKRD11-Related KBG Syndrome. Identifiers: Orphanet 2332, MedGen C0220687, MONDO:0007846, OMIM 148050.

gnomAD v4.1: 7 of 1,613,804 alleles (0.00043%); highest among the groups gnomAD compares: Non-Finnish European, 0.00042%; no homozygotes.

Submission:

Labcorp Genetics (formerly Invitae), Labcorp
Classification: Uncertain significance for KBG syndrome. Last evaluated: 2025-06-17. Review status: criteria provided, single submitter. Criteria: Invitae Variant Classification Sherloc (09022015). Collection method: clinical testing. Allele origin: germline.
Comment: This sequence change replaces alanine, which is neutral and non-polar, with valine, which is neutral and non-polar, at codon 1556 of the ANKRD11 protein (p.Ala1556Val). This variant is present in population databases (rs781186923, gnomAD 0.01%). This variant has not been reported in the literature in individuals affected with ANKRD11-related conditions. Invitae Evidence Modeling of protein sequence and biophysical properties (such as structural, functional, and spatial information, amino acid conservation, physicochemical variation, residue mobility, and thermodynamic stability) indicates that this missense variant is not expected to disrupt ANKRD11 protein function with a negative predictive value of 95%. In summary, the available evidence is currently insufficient to determine the role of this variant in disease. Therefore, it has been classified as a Variant of Uncertain Significance.

NM_013275.6(ANKRD11):c.4667C>T (p.Ala1556Val)

Gene: ANKRD11 (ankyrin repeat domain 11; minus strand). Cytogenetic location: 16q24.3.
Variant type: single nucleotide variant.
Coding change: c.4667C>T on transcript NM_013275.6 (MANE Select); coding-DNA position 4667, C replaced by T.
Protein change: p.Ala1556Val; replaces alanine 1556 with valine.
Molecular consequence: missense variant.
Genome position (GRCh38, 1-based): chr16:89,281,875, G>A on the plus strand (C>T on the coding strand, the complement: ANKRD11 is on the minus strand). VCF-style: chr16-89281875-G-A. GRCh37 (hg19) VCF-style: chr16-89348283-G-A.
Other names: c.4667C>T, p.Ala1556Val (NM_001256182.2, NM_001256183.2); short protein forms A1556V.
Identifiers: ClinVar variation 4695803 (VCV004695803.1).